The following is an entry in ClinVar:

ClinVar aggregate classification (germline): Likely pathogenic (1 of 4 stars; one submission).

Conditions:
Autosomal dominant Robinow syndrome 3. Identifiers: Orphanet 3107, Orphanet 97360, MedGen C4225164, MONDO:0014819, OMIM 616894.

Submission:

3billion
Classification: Likely pathogenic for Autosomal dominant Robinow syndrome 3. Last evaluated: 2023-11-15. Review status: criteria provided, single submitter. Criteria: ACMG Guidelines, 2015. Collection method: clinical testing. Allele origin: germline. Affected: yes.
Comment: The variant is not observed in the gnomAD v2.1.1 dataset. Predicted Consequence/Location: Frameshift: predicted to result in a loss or disruption of normal protein function through protein truncation. The predicted truncated protein may be shortened by more than 10%. Therefore, this variant is classified as Likely pathogenic according to the recommendation of ACMG/AMP guideline.

NM_004423.4(DVL3):c.1688dup (p.Ser564fs)

Gene: DVL3 (dishevelled segment polarity protein 3; plus strand). Cytogenetic location: 3q27.1.
Variant type: Duplication.
Coding change: c.1688dup on transcript NM_004423.4 (MANE Select); coding-DNA position 1688, one base duplicated (G; older notation c.1688dupG).
Protein change: p.Ser564fs; shifts the reading frame from serine 564.
Molecular consequence: frameshift variant.
Genome position (GRCh38, 1-based): chr3:184,170,195, G duplicated; the last of 5 consecutive G bases (chr3:184,170,191-184,170,195); duplicating any one gives the same sequence. VCF-style (leftmost placement, unchanged base first): chr3-184170190-C-CG. GRCh37 (hg19) VCF-style: chr3-183887978-C-CG.
Other names: short protein forms S564fs.
Identifiers: ClinVar variation 3775469 (VCV003775469.1).